The following is an entry in ClinVar:

ClinVar aggregate classification (germline): Uncertain significance (1 of 4 stars; one submission).

Conditions:
NIPBL-related disorder. Also called: NIPBL-related condition.

Submission:

PreventionGenetics, part of Exact Sciences
Classification: Uncertain significance for NIPBL-related condition. Last evaluated: 2023-08-09. Review status: criteria provided, single submitter. Criteria: ACMG Guidelines, 2015. Collection method: clinical testing. Allele origin: germline.
Comment: The NIPBL c.5329-8_5329-5delCTTG variant is predicted to result in an intronic deletion. To our knowledge, this variant has not been reported in the literature or in a large population database, indicating this variant is rare. At this time, the clinical significance of this variant is uncertain due to the absence of conclusive functional and genetic evidence.

NM_133433.4(NIPBL):c.5329-8_5329-5del

Gene: NIPBL (NIPBL cohesin loading factor; plus strand). Cytogenetic location: 5p13.2.
Variant type: Deletion.
Coding change: c.5329-8_5329-5del on transcript NM_133433.4 (MANE Select); 8 bases into the intron before coding-DNA position 5329 through 5 bases into the intron before coding-DNA position 5329, 4 bases deleted (CTTG; older notation c.5329-8_5329-5delCTTG).
Molecular consequence: intron variant.
Genome position (GRCh38, 1-based): chr5:37,022,043-37,022,046, CTTG deleted; deleting any 4 consecutive bases within chr5:37,022,040-37,022,046 gives the same sequence; the c. name uses the placement nearest the transcript's 3' end. VCF-style (leftmost placement, unchanged base first): chr5-37022039-TTTGC-T. GRCh37 (hg19) VCF-style: chr5-37022141-TTTGC-T.
Other names: c.5329-8_5329-5del (NM_015384.5).
Identifiers: ClinVar variation 2631590 (VCV002631590.1), dbSNP rs2478336546, ClinGen allele CA2578289512.